The following is an entry in ClinVar:

ClinVar aggregate classification (germline): Uncertain significance (1 of 4 stars; one submission).

Allele frequency attached by ClinVar (database versions not stated): TOPMed below 0.00001; gnomAD 0.00001; gnomAD exomes 0.00001.
gnomAD v4.1: 8 of 1,613,292 alleles (0.0005%); highest among the groups gnomAD compares: Non-Finnish European, 0.00068%; no homozygotes.

Submission:

CeGaT Center for Human Genetics Tuebingen
Classification: Uncertain significance. Last evaluated: 2024-01-01. Review status: criteria provided, single submitter. Criteria: CeGaT Center For Human Genetics Tuebingen Variant Classification Criteria Version 2. Collection method: clinical testing. Allele origin: germline. Affected: yes. Observed: 1 variant allele.
Comment: WDFY3: PS2:Supporting

NM_014991.6(WDFY3):c.2860G>T (p.Ala954Ser)

Genes: WDFY3-AS1 (WDFY3 antisense RNA 1; plus strand), WDFY3 (WD repeat and FYVE domain containing 3; minus strand). Cytogenetic location: 4q21.23.
Variant type: single nucleotide variant.
Coding change: c.2860G>T on transcript NM_014991.6 (MANE Select); coding-DNA position 2860, G replaced by T.
Protein change: p.Ala954Ser; replaces alanine 954 with serine.
Molecular consequence: missense variant.
Genome position (GRCh38, 1-based): chr4:84,798,071, C>A on the plus strand (G>T on the coding strand, the complement: WDFY3 is on the minus strand). VCF-style: chr4-84798071-C-A. GRCh37 (hg19) VCF-style: chr4-85719224-C-A.
Other names: short protein forms A954S.
Identifiers: ClinVar variation 3026312 (VCV003026312.22), dbSNP rs1277623627, ClinGen allele CA357562685.